The following is an entry in ClinVar:

ClinVar aggregate classification (germline): Conflicting classifications of pathogenicity. Review status: criteria provided, conflicting classifications (1 of 4 stars). 3 submissions from 3 submitters: Likely pathogenic (2); Uncertain significance (1). Last evaluated 2025-12-29.

Conditions:
Hereditary cancer-predisposing syndrome. Also called: Neoplastic Syndromes, Hereditary; Tumor predisposition; Hereditary Cancer Syndrome; Hereditary neoplastic syndrome. Identifiers: Orphanet 140162, MedGen C0027672, MeSH D009386, MONDO:0015356.
Pheochromocytoma/paraganglioma syndrome 4. Also called: CAROTID BODY TUMORS AND MULTIPLE EXTRAADRENAL PHEOCHROMOCYTOMAS; SDHB-Related Hereditary Paraganglioma-Pheochromocytoma Syndrome (Paragangliomas 4); SDHB-Related Hereditary Paraganglioma-Pheochromocytoma Syndrome; PARAGANGLIOMA, FAMILIAL MALIGNANT; PARAGANGLIOMAS, HEREDITARY EXTRAADRENAL; PHEOCHROMOCYTOMA, FAMILIAL EXTRAADRENAL. Identifiers: Orphanet 29072, MedGen C1861848, MONDO:0007273, OMIM 115310.
Gastrointestinal stromal tumor. Also called: Gastrointestinal stromal tumor, somatic; Gastrointestinal stroma tumor. Identifiers: Orphanet 44890, MedGen C0238198, MeSH D046152, MONDO:0011719, OMIM 606764, HP:0100723.
Pheochromocytoma. Also called: MAX-Related Hereditary Paraganglioma-Pheochromocytoma Syndrome. Identifiers: Orphanet 29072, MedGen C0031511, MONDO:0008233, OMIM 171300, HP:0002666.

Submissions (3):

Center for Genomic Medicine, Rigshospitalet, Copenhagen University Hospital
Classification: Likely pathogenic. Last evaluated: 2025-12-29. Review status: criteria provided, single submitter. Criteria: ACMG Guidelines, 2015. Collection method: clinical testing. Allele origin: germline.
Comment: Classification criteria: PM2_supporting, PP3_strong, PP4_supporting, PP5_supporting

Labcorp Genetics (formerly Invitae), Labcorp
Classification: Uncertain significance for Gastrointestinal stromal tumor; Pheochromocytoma/paraganglioma syndrome 4; Pheochromocytoma. Last evaluated: 2025-10-07. Review status: criteria provided, single submitter. Criteria: Invitae Variant Classification Sherloc (09022015). Collection method: clinical testing. Allele origin: germline.
Comment: This sequence change replaces leucine, which is neutral and non-polar, with proline, which is neutral and non-polar, at codon 111 of the SDHB protein (p.Leu111Pro). This variant is not present in population databases (gnomAD no frequency). This variant has not been reported in the literature in individuals affected with SDHB-related conditions. ClinVar contains an entry for this variant (Variation ID: 823614). Invitae Evidence Modeling of protein sequence and biophysical properties (such as structural, functional, and spatial information, amino acid conservation, physicochemical variation, residue mobility, and thermodynamic stability) indicates that this missense variant is expected to disrupt SDHB protein function with a positive predictive value of 80%. In summary, the available evidence is currently insufficient to determine the role of this variant in disease. Therefore, it has been classified as a Variant of Uncertain Significance.

Ambry Genetics
Classification: Likely pathogenic for Hereditary cancer-predisposing syndrome. Last evaluated: 2025-08-26. Review status: criteria provided, single submitter. Criteria: Ambry Variant Classification Scheme 2023. Collection method: clinical testing. Allele origin: germline.
Comment: The p.L111P variant (also known as c.332T>C), located in coding exon 4 of the SDHB gene, results from a T to C substitution at nucleotide position 332. The leucine at codon 111 is replaced by proline, an amino acid with similar properties. This variant was reported in individual(s) with features consistent with SDHB-related hereditary pheochromocytoma-paraganglioma (Ambry internal data). Based on internal structural assessment, this alteration disrupts the loop responsible for defining the structure of a functionally critical 2Fe-2S cluster (Sun F et al. Cell, 2005 Jul;121:1043-57; Ambry internal data). This amino acid position is highly conserved in available vertebrate species. This variant is considered to be rare based on population cohorts in the Genome Aggregation Database (gnomAD). In addition, this alteration is predicted to be deleterious by in silico analysis. Based on the majority of available evidence to date, this variant is likely to be pathogenic.

Literature cited by the submitters: PubMed 25405498 (cited by Center for Genomic Medicine, Rigshospitalet, Copenhagen University Hospital); PubMed 15989954 (cited by Ambry Genetics); PubMed 22517557 (cited by Ambry Genetics).

NM_003000.3(SDHB):c.332T>C (p.Leu111Pro)

Gene: SDHB (succinate dehydrogenase complex iron sulfur subunit B; minus strand). Cytogenetic location: 1p36.13.
Variant type: single nucleotide variant.
Coding change: c.332T>C on transcript NM_003000.3 (MANE Select); coding-DNA position 332, T replaced by C.
Protein change: p.Leu111Pro; replaces leucine 111 with proline.
Molecular consequence: missense variant.
Genome position (GRCh38, 1-based): chr1:17,028,691, A>G on the plus strand (T>C on the coding strand, the complement: SDHB is on the minus strand). VCF-style: chr1-17028691-A-G. GRCh37 (hg19) VCF-style: chr1-17355186-A-G.
Other names: short protein forms L111P.
Identifiers: ClinVar variation 823614 (VCV000823614.12), dbSNP rs1570948631, ClinGen allele CA338274838.